The following is an entry in ClinVar:

ClinVar aggregate classification (germline): Uncertain significance. Review status: criteria provided, multiple submitters, no conflicts (2 of 4 stars). 2 submissions from 2 submitters: Uncertain significance (2). Last evaluated 2026-04-07.

Conditions:
Oculodentodigital dysplasia, autosomal recessive. Also called: OCULODENTOOSSEOUS DYSPLASIA, AUTOSOMAL RECESSIVE; ODDD, AUTOSOMAL RECESSIVE; ODOD, AUTOSOMAL RECESSIVE. Identifiers: Orphanet 2710, MedGen C2749477, MONDO:0009768, OMIM 257850.

Allele frequency attached by ClinVar (database versions not stated): ExAC 0.00001; TOPMed 0.00001; gnomAD 0.00003; gnomAD exomes 0.00003; ESP Exome Variant Server 0.00008.
gnomAD v4.1: 45 of 1,613,836 alleles (0.0028%); highest among the groups gnomAD compares: Non-Finnish European, 0.0036%; no homozygotes.

Submissions (2):

Women's Health and Genetics/Laboratory Corporation of America, LabCorp
Classification: Uncertain significance. Last evaluated: 2026-04-07. Review status: criteria provided, single submitter. Criteria: LabCorp Variant Classification Summary - May 2015. Collection method: clinical testing. Allele origin: germline.
Comment: Variant summary: GJA1 c.952A>C (p.Asn318His) results in a conservative amino acid change in the encoded protein sequence. Algorithms developed to predict the effect of missense changes on protein structure and function are either unavailable or do not agree on the potential impact of this missense change. The variant allele was found at a frequency of 4e-06 in 251380 control chromosomes. The available data on variant occurrences in the general population are insufficient to allow any conclusion about variant significance. To our knowledge, no occurrence of c.952A>C in individuals affected with GJA1-related conditions and no experimental evidence demonstrating its impact on protein function have been reported. ClinVar contains an entry for this variant (Variation ID: 2912997). Based on the evidence outlined above, the variant was classified as uncertain significance.

Labcorp Genetics (formerly Invitae), Labcorp
Classification: Uncertain significance for Oculodentodigital dysplasia, autosomal recessive. Last evaluated: 2025-04-28. Review status: criteria provided, single submitter. Criteria: Invitae Variant Classification Sherloc (09022015). Collection method: clinical testing. Allele origin: germline.
Comment: This sequence change replaces asparagine, which is neutral and polar, with histidine, which is basic and polar, at codon 318 of the GJA1 protein (p.Asn318His). This variant is present in population databases (rs143898957, gnomAD 0.004%). This variant has not been reported in the literature in individuals affected with GJA1-related conditions. ClinVar contains an entry for this variant (Variation ID: 2912997). Invitae Evidence Modeling of protein sequence and biophysical properties (such as structural, functional, and spatial information, amino acid conservation, physicochemical variation, residue mobility, and thermodynamic stability) has been performed for this missense variant. However, the output from this modeling did not meet the statistical confidence thresholds required to predict the impact of this variant on GJA1 protein function. In summary, the available evidence is currently insufficient to determine the role of this variant in disease. Therefore, it has been classified as a Variant of Uncertain Significance.

NM_000165.5(GJA1):c.952A>C (p.Asn318His)

Gene: GJA1 (gap junction protein alpha 1; plus strand). Cytogenetic location: 6q22.31.
Variant type: single nucleotide variant.
Coding change: c.952A>C on transcript NM_000165.5 (MANE Select); coding-DNA position 952, A replaced by C.
Protein change: p.Asn318His; replaces asparagine 318 with histidine.
Molecular consequence: missense variant.
Genome position (GRCh38, 1-based): chr6:121,447,799, A>C. VCF-style: chr6-121447799-A-C. GRCh37 (hg19) VCF-style: chr6-121768945-A-C.
Other names: short protein forms N318H.
Identifiers: ClinVar variation 2912997 (VCV002912997.4), dbSNP rs143898957, ClinGen allele CA3981790.